The following is an entry in ClinVar:

ClinVar aggregate classification (germline): Likely benign (1 of 4 stars; one submission).

Conditions:
DMD-related disorder. Also called: DMD-related condition.

gnomAD v4.1: 59 of 1,189,686 alleles (0.005%); highest among the groups gnomAD compares: South Asian, 0.077%; no homozygotes.

Submission:

PreventionGenetics, part of Exact Sciences
Classification: Likely benign for DMD-related condition. Last evaluated: 2025-12-17. Review status: criteria provided, single submitter. Criteria: ACMG Guidelines, 2015. Collection method: clinical testing. Allele origin: germline.
Comment: This variant is classified as likely benign based on ACMG/AMP sequence variant interpretation guidelines (Richards et al. 2015 PMID: 25741868, with internal and published modifications).

NM_004006.3(DMD):c.4072-126C>T

Gene: DMD (dystrophin; minus strand). Cytogenetic location: Xp21.1.
Variant type: single nucleotide variant.
Coding change: c.4072-126C>T on transcript NM_004006.3 (MANE Select); 126 bases into the intron before coding-DNA position 4072, C replaced by T.
Molecular consequence: intron variant. On other transcripts: nonsense (1).
Genome position (GRCh38, 1-based): chrX:32,412,039, G>A on the plus strand (C>T on the coding strand, the complement: DMD is on the minus strand). VCF-style: chrX-32412039-G-A. GRCh37 (hg19) VCF-style: chrX-32430156-G-A.
Other names: c.19C>T, p.Arg7Ter (NM_004012.4); c.4048-126C>T (NM_000109.4); c.48+123C>T (NM_004011.4); c.4060-126C>T (NM_004009.3); c.3703-126C>T (NM_004010.3); short protein forms R7*.
Identifiers: ClinVar variation 4980038 (VCV004980038.1).